The following is an entry in ClinVar:

NM_014908.4(DOLK):c.847C>T (p.Pro283Ser)

Gene: DOLK (dolichol kinase; minus strand). Cytogenetic location: 9q34.11.
Variant type: single nucleotide variant.
Coding change: c.847C>T on transcript NM_014908.4 (MANE Select); coding-DNA position 847, C replaced by T.
Protein change: p.Pro283Ser; replaces proline 283 with serine.
Molecular consequence: missense variant.
Genome position (GRCh38, 1-based): chr9:128,946,457, G>A on the plus strand (C>T on the coding strand, the complement: DOLK is on the minus strand). VCF-style: chr9-128946457-G-A. GRCh37 (hg19) VCF-style: chr9-131708736-G-A.
Other names: short protein forms P283S.
Identifiers: ClinVar variation 1763528 (VCV001763528.2), dbSNP rs755090317, ClinGen allele CA375122377.

ClinVar aggregate classification (germline): Uncertain significance (1 of 4 stars; one submission).

Conditions:
Cardiovascular phenotype. Identifiers: MedGen CN230736.

Submission:

Ambry Genetics
Classification: Uncertain significance for Cardiovascular phenotype. Last evaluated: 2020-06-18. Review status: criteria provided, single submitter. Criteria: Ambry Variant Classification Scheme 2023. Collection method: clinical testing. Allele origin: germline.
Comment: The p.P283S variant (also known as c.847C>T), located in coding exon 1 of the DOLK gene, results from a C to T substitution at nucleotide position 847. The proline at codon 283 is replaced by serine, an amino acid with similar properties. This amino acid position is highly conserved in available vertebrate species. In addition, this alteration is predicted to be deleterious by in silico analysis. Since supporting evidence is limited at this time, the clinical significance of this alteration remains unclear.